The following is an entry in ClinVar:

ClinVar aggregate classification (germline): Uncertain significance (1 of 4 stars; one submission).

Allele frequency attached by ClinVar (database versions not stated): gnomAD exomes 0.00001; ExAC 0.00004.
gnomAD v4.1: 22 of 1,613,392 alleles (0.0014%); highest among the groups gnomAD compares: South Asian, 0.023%; 2 homozygotes.

Submission:

Labcorp Genetics (formerly Invitae), Labcorp
Classification: Uncertain significance. Last evaluated: 2023-11-10. Review status: criteria provided, single submitter. Criteria: Invitae Variant Classification Sherloc (09022015). Collection method: clinical testing. Allele origin: germline.
Comment: This sequence change replaces phenylalanine, which is neutral and non-polar, with leucine, which is neutral and non-polar, at codon 742 of the LRP2 protein (p.Phe742Leu). This variant is present in population databases (rs770091898, gnomAD 0.01%). This variant has not been reported in the literature in individuals affected with LRP2-related conditions. Advanced modeling of protein sequence and biophysical properties (such as structural, functional, and spatial information, amino acid conservation, physicochemical variation, residue mobility, and thermodynamic stability) has been performed at Invitae for this missense variant, however the output from this modeling did not meet the statistical confidence thresholds required to predict the impact of this variant on LRP2 protein function. In summary, the available evidence is currently insufficient to determine the role of this variant in disease. Therefore, it has been classified as a Variant of Uncertain Significance.

NM_004525.3(LRP2):c.2224T>C (p.Phe742Leu)

Gene: LRP2 (LDL receptor related protein 2; minus strand). Cytogenetic location: 2q31.1.
Variant type: single nucleotide variant.
Coding change: c.2224T>C on transcript NM_004525.3 (MANE Select); coding-DNA position 2224, T replaced by C.
Protein change: p.Phe742Leu; replaces phenylalanine 742 with leucine.
Molecular consequence: missense variant.
Genome position (GRCh38, 1-based): chr2:169,271,000, A>G on the plus strand (T>C on the coding strand, the complement: LRP2 is on the minus strand). VCF-style: chr2-169271000-A-G. GRCh37 (hg19) VCF-style: chr2-170127510-A-G.
Other names: short protein forms F742L.
Identifiers: ClinVar variation 2782845 (VCV002782845.3), dbSNP rs770091898, ClinGen allele CA1955350.